The following is an entry in ClinVar:

ClinVar aggregate classification (germline): Uncertain significance. Review status: criteria provided, multiple submitters, no conflicts (2 of 4 stars). 2 submissions from 2 submitters: Uncertain significance (2). Last evaluated 2024-12-11.

Conditions:
Amyotrophic lateral sclerosis type 8 (ALS8). Identifiers: Orphanet 803, MedGen C1837728, MONDO:0012077, OMIM 608627.
Adult-onset proximal spinal muscular atrophy, autosomal dominant. Also called: Spinal muscular atrophy, late-onset, finkel type; FINKEL LATE-ADULT TYPE SMA. Identifiers: Orphanet 209335, MedGen C1854058, MONDO:0008453, OMIM 182980.
Inborn genetic diseases. Identifiers: MedGen C0950123, MeSH D030342.

Submissions (2):

Ambry Genetics
Classification: Uncertain significance for Inborn genetic diseases. Last evaluated: 2024-12-11. Review status: criteria provided, single submitter. Criteria: Ambry Variant Classification Scheme 2023. Collection method: clinical testing. Allele origin: germline.

Labcorp Genetics (formerly Invitae), Labcorp
Classification: Uncertain significance for Adult-onset proximal spinal muscular atrophy, autosomal dominant; Amyotrophic lateral sclerosis type 8. Last evaluated: 2024-09-02. Review status: criteria provided, single submitter. Criteria: Invitae Variant Classification Sherloc (09022015). Collection method: clinical testing. Allele origin: germline.
Comment: This sequence change replaces isoleucine, which is neutral and non-polar, with threonine, which is neutral and polar, at codon 141 of the VAPB protein (p.Ile141Thr). This variant is not present in population databases (gnomAD no frequency). This variant has not been reported in the literature in individuals affected with VAPB-related conditions. Invitae Evidence Modeling of protein sequence and biophysical properties (such as structural, functional, and spatial information, amino acid conservation, physicochemical variation, residue mobility, and thermodynamic stability) indicates that this missense variant is not expected to disrupt VAPB protein function with a negative predictive value of 80%. In summary, the available evidence is currently insufficient to determine the role of this variant in disease. Therefore, it has been classified as a Variant of Uncertain Significance.

NM_004738.5(VAPB):c.422T>C (p.Ile141Thr)

Gene: VAPB (VAMP associated protein B and C; plus strand). Cytogenetic location: 20q13.32.
Variant type: single nucleotide variant.
Coding change: c.422T>C on transcript NM_004738.5 (MANE Select); coding-DNA position 422, T replaced by C.
Protein change: p.Ile141Thr; replaces isoleucine 141 with threonine.
Molecular consequence: missense variant. On other transcripts: non-coding transcript variant (1), intron variant (1).
Genome position (GRCh38, 1-based): chr20:58,440,932, T>C. VCF-style: chr20-58440932-T-C. GRCh37 (hg19) VCF-style: chr20-57015988-T-C.
Other names: c.212-3145T>C (NM_001195677.2); short protein forms I141T.
Identifiers: ClinVar variation 3761709 (VCV003761709.3).